The following is an entry in ClinVar:

NM_182710.3(KAT5):c.147G>A (p.Leu49=)

Genes: KAT5 (lysine acetyltransferase 5; plus strand), LOC130006059 (ATAC-STARR-seq lymphoblastoid silent region 3551; plus strand). Cytogenetic location: 11q13.1.
Variant type: single nucleotide variant.
Coding change: c.147G>A on transcript NM_182710.3 (MANE Select); coding-DNA position 147, G replaced by A.
Protein change: p.Leu49=; no amino-acid change (leucine 49 retained).
Molecular consequence: synonymous variant.
Genome position (GRCh38, 1-based): chr11:65,712,414, G>A. VCF-style: chr11-65712414-G-A. GRCh37 (hg19) VCF-style: chr11-65479885-G-A.
Other names: c.147G>A, p.Leu49= (NM_001206833.2); c.48G>A, p.Leu16= (NM_006388.4, NM_182709.3); c.147G>A (NM_182710.2).
Identifiers: ClinVar variation 3388714 (VCV003388714.15).
Genomic context (GRCh38, chr11:65,712,414, plus strand): 5'-CCCTGGCGTCGCGCTGTCTCCCCAGGGGGAGATAATCGAGGGCTGCCGCCTACCCGTGCT[G>A]CGGCGGAACCAGGACAACGAAGATGAGTGGCGTGAGTGACGTTGGGGGGCGGGACTAAGG-3'
Protein context (NP_874369.1, residues 39-59): EIIEGCRLPV[Leu49=]RRNQDNEDEW

ClinVar aggregate classification (germline): Likely benign. Review status: criteria provided, multiple submitters, no conflicts (2 of 4 stars). 2 submissions from 2 submitters: Likely benign (2). Last evaluated 2025-04-29.

Conditions:
KAT5-related disorder. Also called: KAT5-related condition.

gnomAD v4.1: 339 of 1,591,784 alleles (0.021%); highest among the groups gnomAD compares: Admixed American, 0.027%; no homozygotes.

Submissions (2):

PreventionGenetics, part of Exact Sciences
Classification: Likely benign for KAT5-related condition. Last evaluated: 2025-04-29. Review status: criteria provided, single submitter. Criteria: ACMG Guidelines, 2015. Collection method: clinical testing. Allele origin: germline.
Comment: This variant is classified as likely benign based on ACMG/AMP sequence variant interpretation guidelines (Richards et al. 2015 PMID: 25741868, with internal and published modifications).

CeGaT Center for Human Genetics Tuebingen
Classification: Likely benign. Last evaluated: 2024-10-01. Review status: criteria provided, single submitter. Criteria: CeGaT Center For Human Genetics Tuebingen Variant Classification Criteria Version 2. Collection method: clinical testing. Allele origin: germline. Affected: yes. Observed: 1 variant allele.
Comment: KAT5: BP4, BP7